The following is an entry in ClinVar:

NM_004456.5(EZH2):c.848C>T (p.Thr283Met)

Gene: EZH2 (enhancer of zeste 2 polycomb repressive complex 2 subunit; minus strand). Cytogenetic location: 7q36.1.
Variant type: single nucleotide variant.
Coding change: c.848C>T on transcript NM_004456.5 (MANE Select); coding-DNA position 848, C replaced by T.
Protein change: p.Thr283Met; replaces threonine 283 with methionine.
Molecular consequence: missense variant.
Genome position (GRCh38, 1-based): chr7:148,826,513, G>A on the plus strand (C>T on the coding strand, the complement: EZH2 is on the minus strand). VCF-style: chr7-148826513-G-A. GRCh37 (hg19) VCF-style: chr7-148523605-G-A.
Other names: c.848C>T, p.Thr283Met (NM_001203247.2); c.821C>T, p.Thr274Met (NM_001203248.2, NM_001203249.2); c.731C>T, p.Thr244Met (NM_152998.3); c.848C>T (NM_004456.4); short protein forms T283M, T274M, T244M.
Identifiers: ClinVar variation 134225 (VCV000134225.2), dbSNP rs587778304, ClinGen allele CA159198.

ClinVar aggregate classification (germline): Uncertain significance. Review status: criteria provided, single submitter (1 of 4 stars). 2 submissions from 2 submitters: Uncertain significance (1). 1 of the submissions does not count toward it. Last evaluated 2022-10-04.

gnomAD v4.1: 9 of 1,605,380 alleles (0.00056%); highest among the groups gnomAD compares: Non-Finnish European, 0.00077%; no homozygotes.

Submissions (2):

GeneDx
Classification: Uncertain significance. Last evaluated: 2022-10-04. Review status: criteria provided, single submitter. Criteria: GeneDx Variant Classification Process June 2021. Collection method: clinical testing. Allele origin: germline. Affected: yes.
Comment: Not observed at significant frequency in large population cohorts (gnomAD); In silico analysis supports that this missense variant has a deleterious effect on protein structure/function; Has not been previously published as pathogenic or benign to our knowledge.

ITMI
No classification provided. Condition: AllHighlyPenetrant. Last evaluated: 2013-09-19. Review status: no classification provided. Collection method: reference population. Allele origin: germline. Not counted in ClinVar's aggregate classification.
Comment: Please see associated publication for description of ethnicities

Literature cited by the submitters: PubMed 24728327 (cited by ITMI).